The following is an entry in ClinVar:

ClinVar aggregate classification (germline): Uncertain significance (1 of 4 stars; one submission).

Conditions:
Idiopathic Pulmonary Fibrosis. Also called: Idiopathic fibrosing alveolitis, chronic form; idiopathic fibrosing alveolitis. Identifiers: Orphanet 2032, MedGen C1800706, MeSH D054990, MONDO:0800504.
Dyskeratosis congenita, autosomal dominant 2. Identifiers: MedGen C3151443, MONDO:0013521, OMIM 613989.

Allele frequency attached by ClinVar (database versions not stated): gnomAD exomes below 0.00001.
gnomAD v4.1: 1 of 1,614,184 alleles (0.000062%); highest among the groups gnomAD compares: Non-Finnish European, 0.000085%; no homozygotes.

Submission:

Labcorp Genetics (formerly Invitae), Labcorp
Classification: Uncertain significance for Dyskeratosis congenita, autosomal dominant 2; Idiopathic Pulmonary Fibrosis. Last evaluated: 2025-07-17. Review status: criteria provided, single submitter. Criteria: Invitae Variant Classification Sherloc (09022015). Collection method: clinical testing. Allele origin: germline.
Comment: This sequence change replaces arginine, which is basic and polar, with serine, which is neutral and polar, at codon 724 of the TERT protein (p.Arg724Ser). This variant is not present in population databases (gnomAD no frequency). This variant has not been reported in the literature in individuals affected with TERT-related conditions. ClinVar contains an entry for this variant (Variation ID: 1047700). Invitae Evidence Modeling of protein sequence and biophysical properties (such as structural, functional, and spatial information, amino acid conservation, physicochemical variation, residue mobility, and thermodynamic stability) indicates that this missense variant is expected to disrupt TERT protein function with a positive predictive value of 95%. In summary, the available evidence is currently insufficient to determine the role of this variant in disease. Therefore, it has been classified as a Variant of Uncertain Significance.

NM_198253.3(TERT):c.2172G>C (p.Arg724Ser)

Gene: TERT (telomerase reverse transcriptase; minus strand). Cytogenetic location: 5p15.33.
Variant type: single nucleotide variant.
Coding change: c.2172G>C on transcript NM_198253.3 (MANE Select); coding-DNA position 2172, G replaced by C.
Protein change: p.Arg724Ser; replaces arginine 724 with serine.
Molecular consequence: missense variant. On other transcripts: non-coding transcript variant (2).
Genome position (GRCh38, 1-based): chr5:1,278,755, C>G on the plus strand (G>C on the coding strand, the complement: TERT is on the minus strand). VCF-style: chr5-1278755-C-G. GRCh37 (hg19) VCF-style: chr5-1278870-C-G.
Other names: c.2172G>C, p.Arg724Ser (NM_001193376.3); short protein forms R724S.
Identifiers: ClinVar variation 1047700 (VCV001047700.47), dbSNP rs1749793761, ClinGen allele CA359079576.